The following is an entry in ClinVar:

ClinVar aggregate classification (germline): Uncertain significance (1 of 4 stars; one submission).

Conditions:
Hereditary cancer-predisposing syndrome. Also called: Hereditary Cancer Syndrome; Hereditary neoplastic syndrome; Neoplastic Syndromes, Hereditary; Tumor predisposition. Identifiers: Orphanet 140162, MedGen C0027672, MeSH D009386, MONDO:0015356.

Submission:

Ambry Genetics
Classification: Uncertain significance for Hereditary cancer-predisposing syndrome. Last evaluated: 2022-02-24. Review status: criteria provided, single submitter. Criteria: Ambry Variant Classification Scheme 2023. Collection method: clinical testing. Allele origin: germline.
Comment: The p.W50G variant (also known as c.148T>G), located in coding exon 1 of the MSH6 gene, results from a T to G substitution at nucleotide position 148. The tryptophan at codon 50 is replaced by glycine, an amino acid with highly dissimilar properties. This amino acid position is conserved. In addition, this alteration is predicted to be tolerated by in silico analysis. Since supporting evidence is limited at this time, the clinical significance of this alteration remains unclear.

NM_000179.3(MSH6):c.148T>G (p.Trp50Gly)

Gene: MSH6 (mutS homolog 6; plus strand). Cytogenetic location: 2p16.3.
Variant type: single nucleotide variant.
Coding change: c.148T>G on transcript NM_000179.3 (MANE Select); coding-DNA position 148, T replaced by G.
Protein change: p.Trp50Gly; replaces tryptophan 50 with glycine.
Molecular consequence: missense variant. On other transcripts: 5 prime UTR variant (1), synonymous variant (1).
Genome position (GRCh38, 1-based): chr2:47,783,381, T>G. VCF-style: chr2-47783381-T-G. GRCh37 (hg19) VCF-style: chr2-48010520-T-G.
Other names: c.148T>G, p.Trp50Gly (NM_001281492.2, NM_001406795.1, NM_001406796.1 and 9 more transcripts); c.-589T>G (NM_001281493.2, NM_001406811.1); c.-181T>G (NM_001406799.1); c.93T>G, p.Pro31= (NM_001406804.1); c.-781T>G (NM_001406807.1); c.-436T>G (NM_001406812.1); c.-847T>G (NM_001406814.1); c.-392T>G (NM_001406816.1); short protein forms W50G.
Identifiers: ClinVar variation 1773762 (VCV001773762.2), dbSNP rs374597395, ClinGen allele CA346734932.